The following is an entry in ClinVar:

NC_012920.1(MT-TL2):m.12276G>A

Gene: MT-TL2 (mitochondrially encoded tRNA leucine 2 (CUN); plus strand).
Variant type: single nucleotide variant.
Genome position: chrM-12276-G-A.
Identifiers: ClinVar variation 690181 (VCV000690181.2), dbSNP rs1603223645, ClinGen allele CA913169952.

ClinVar aggregate classification (germline): Likely pathogenic. Review status: reviewed by expert panel (3 of 4 stars). 2 submissions from 2 submitters: Likely pathogenic (1). 1 of the submissions does not count toward it. Last evaluated 2022-11-30.

Conditions:
Mitochondrial disease. Also called: Mitochondrial disorder; Mitochondrial disorders. Identifiers: Orphanet 68380, MedGen C0751651, MeSH D028361, MONDO:0044970.
MELAS syndrome (MELAS). Also called: Juvenile myopathy, encephalopathy, lactic acidosis, stroke. Identifiers: Orphanet 550, MedGen C0162671, MONDO:0010789, OMIM 540000.

Submissions (2):

ClinGen Mitochondrial Disease Nuclear and Mitochondrial  Variant Curation Expert Panel, ClinGen
Classification: Likely pathogenic for Mitochondrial disease. Last evaluated: 2022-11-30. Review status: reviewed by expert panel. Criteria: McCormick et al. (Hum Mutat. 2020). Collection method: curation. Allele origin: germline. Inheritance: Mitochondrial inheritance.
Comment: The m.12276G>A variant in MT-TL2 has been reported in four unrelated individuals with primary mitochondrial disease. Chronic progressive external ophthalmoplegia and myopathy were seen in three cases (PMIDs: 15649400, 15591266, 23847141), and two of these cases had pigmentary retinopathy (PMIDs: 15649400, 23847141). The fourth case had a progressive encephalopathy (PMID: 20022607). Muscle biopsies in affected individuals showed ragged red fibers, COX-negative fibers, and normal to reduced respiratory chain enzyme activities. Heteroplasmy levels were consistently highest in muscle, ranging from 18-81%, and were low (6-8%) to undetectable in other tissues (PS4_moderate, PMIDs: 15649400, 15591266, 23847141, 20022607). The variant was confirmed to have occurred de novo in one of the reported individuals (variant absent in blood and urine of healthy mother and sister, PMID: 20022607; PM6_supporting). There are no large families reported in the medical literature with testing performed to consider for evidence of segregation. The computational predictor MitoTIP suggests this variant is pathogenic (74.7 percentile) and HmtVAR predicts it to be pathogenic score of 0.65 (PP3). This variant is absent in the Helix dataset and gnomAD v3.1.2, and the single occurrence in the GenBank dataset is from an affected individual (PM2_supporting). Single fiber testing was performed in two of the four reported cases (PS3_supporting). In one case, fibers with <75% of the variant exhibited normal COX/SDH ratios and fibers with 80% or higher had severe deficiency of COX activity (PMID: 15591266). In another individual (PMID: 20022607), COX-deficient fibers had ~80% heteroplasmy and COX-positive fibers had ~25% heteroplasmy, a statistically significant difference (p<0.001). In summary, this variant meets criteria to be classified as likely pathogenic for primary mitochondrial disease inherited in a mitochondrial manner. This classification was approved by the NICHD/NINDS U24 ClinGen Mitochondrial Disease Variant Curation Expert Panel on November 30, 2022. Mitochondrial DNA-specific ACMG/AMP criteria applied (PMID: 32906214): PS4_moderate, PM6_supporting, PM2_supporting, PP3, PS3_supporting.

Wong Mito Lab, Molecular and Human Genetics, Baylor College of Medicine
Classification: Pathogenic for MELAS syndrome. Last evaluated: 2019-07-12. Review status: criteria provided, single submitter. Criteria: Modified ACMG Guidelines (Unpublished). Collection method: clinical testing. Allele origin: germline. Not counted in ClinVar's aggregate classification.
Comment: The NC_012920.1:m.12276G>A variant in MT-TL2 gene is interpreted to be a Pathogenic variant based on the modified ACMG guidelines (unpublished). This variant meets the following evidence codes reported in the guidelines: PS3, PS5, PM7

Literature cited by the submitters: PubMed 15591266 (cited by ClinGen Mitochondrial Disease Nuclear and Mitochondrial  Variant Curation Expert Panel, ClinGen and Wong Mito Lab, Molecular and Human Genetics, Baylor College of Medicine); PubMed 20022607 (cited by ClinGen Mitochondrial Disease Nuclear and Mitochondrial  Variant Curation Expert Panel, ClinGen); PubMed 31965079 (cited by Wong Mito Lab, Molecular and Human Genetics, Baylor College of Medicine); PubMed 15649400 (cited by Wong Mito Lab, Molecular and Human Genetics, Baylor College of Medicine).